The following is an entry in ClinVar:

GRCh37/hg19 Xp22.31(chrX:6455149-8135645)x1

Genes: PNPLA4 (patatin like domain 4, phospholipase and triacylglycerol lipase; minus strand), PUDP (pseudouridine 5'-phosphatase; minus strand), STS (steroid sulfatase; plus strand), VCX (variable charge X-linked; plus strand). Cytogenetic location: Xp22.31.
Variant type: copy number loss.
Change: copy number 1 of chrX:6,455,149-8,135,645 (1.68 Mb, GRCh37 coordinates, 1-based), cytogenetic band Xp22.31.
Identifiers: ClinVar variation 685999 (VCV000685999.3).

ClinVar aggregate classification (germline): no classifications from unflagged records (0 of 4 stars; one submission).

Submission:

Bionano Laboratories
Classification: Uncertain significance. Last evaluated: 2017-12-08. Review status: flagged submission. Collection method: clinical testing. Allele origin: unknown.
ClinVar note: Notes: This submission was flagged because its interpretation of this variant conflicts with the ClinGen Gene Dosage Map curation for the gene STS.
ClinVar note: Reason: Conflict with ClinGen Gene Dosage Map